The following is an entry in ClinVar:

NM_001277115.2(DNAH11):c.10694A>G (p.Tyr3565Cys)

Gene: DNAH11 (dynein axonemal heavy chain 11; plus strand). Cytogenetic location: 7p15.3.
Variant type: single nucleotide variant.
Coding change: c.10694A>G on transcript NM_001277115.2 (MANE Select); coding-DNA position 10694, A replaced by G.
Protein change: p.Tyr3565Cys; replaces tyrosine 3565 with cysteine.
Molecular consequence: missense variant.
Genome position (GRCh38, 1-based): chr7:21,842,546, A>G. VCF-style: chr7-21842546-A-G. GRCh37 (hg19) VCF-style: chr7-21882164-A-G.
Other names: short protein forms Y3565C.
Identifiers: ClinVar variation 4242013 (VCV004242013.2).

ClinVar aggregate classification (germline): Uncertain significance. Review status: criteria provided, multiple submitters, no conflicts (2 of 4 stars). 2 submissions from 2 submitters: Uncertain significance (2). Last evaluated 2025-09-10.

Conditions:
Primary ciliary dyskinesia. Also called: Ciliary dyskinesia. Identifiers: Orphanet 244, MedGen C0008780, MONDO:0016575, HP:0012265.

gnomAD v4.1: 7 of 1,613,616 alleles (0.00043%); highest among the groups gnomAD compares: Admixed American, 0.005%; no homozygotes.

Submissions (2):

Ambry Genetics
Classification: Uncertain significance for Primary ciliary dyskinesia. Last evaluated: 2025-09-10. Review status: criteria provided, single submitter. Criteria: Ambry Variant Classification Scheme 2023. Collection method: clinical testing. Allele origin: germline.

Labcorp Genetics (formerly Invitae), Labcorp
Classification: Uncertain significance for Primary ciliary dyskinesia. Last evaluated: 2025-03-03. Review status: criteria provided, single submitter. Criteria: Invitae Variant Classification Sherloc (09022015). Collection method: clinical testing. Allele origin: germline.
Comment: This sequence change replaces tyrosine, which is neutral and polar, with cysteine, which is neutral and slightly polar, at codon 3565 of the DNAH11 protein (p.Tyr3565Cys). This variant is present in population databases (rs773152827, gnomAD 0.01%). This variant has not been reported in the literature in individuals affected with DNAH11-related conditions. An algorithm developed to predict the effect of missense changes on protein structure and function (PolyPhen-2) suggests that this variant is likely to be tolerated. In summary, the available evidence is currently insufficient to determine the role of this variant in disease. Therefore, it has been classified as a Variant of Uncertain Significance.